The following is an entry in ClinVar:

NM_004304.5(ALK):c.3341A>G (p.Lys1114Arg)

Gene: ALK (ALK receptor tyrosine kinase; minus strand). Cytogenetic location: 2p23.2.
Variant type: single nucleotide variant.
Coding change: c.3341A>G on transcript NM_004304.5 (MANE Select); coding-DNA position 3341, A replaced by G.
Protein change: p.Lys1114Arg; replaces lysine 1114 with arginine.
Molecular consequence: missense variant.
Genome position (GRCh38, 1-based): chr2:29,223,360, T>C on the plus strand (A>G on the coding strand, the complement: ALK is on the minus strand). VCF-style: chr2-29223360-T-C. GRCh37 (hg19) VCF-style: chr2-29446226-T-C.
Other names: c.137A>G, p.Lys46Arg (NM_001353765.2); short protein forms K1114R, K46R.
Identifiers: ClinVar variation 3241765 (VCV003241765.3), dbSNP rs2465955097.

ClinVar aggregate classification (germline): Uncertain significance. Review status: criteria provided, multiple submitters, no conflicts (2 of 4 stars). 2 submissions from 2 submitters: Uncertain significance (2). Last evaluated 2024-07-15.

Conditions:
Neuroblastoma, susceptibility to, 3. Also called: ALK-Related Neuroblastic Tumor Susceptibility. Identifiers: Orphanet 635, MedGen C2751681, MONDO:0013083, OMIM 613014.

Allele frequency attached by ClinVar (database versions not stated): gnomAD exomes below 0.00001.
gnomAD v4.1: 3 of 1,614,178 alleles (0.00019%); highest among the groups gnomAD compares: Non-Finnish European, 0.00025%; no homozygotes.

Submissions (2):

Labcorp Genetics (formerly Invitae), Labcorp
Classification: Uncertain significance for Neuroblastoma, susceptibility to, 3. Last evaluated: 2024-07-15. Review status: criteria provided, single submitter. Criteria: Invitae Variant Classification Sherloc (09022015). Collection method: clinical testing. Allele origin: germline.
Comment: This sequence change replaces lysine, which is basic and polar, with arginine, which is basic and polar, at codon 1114 of the ALK protein (p.Lys1114Arg). This variant is not present in population databases (gnomAD no frequency). This variant has not been reported in the literature in individuals affected with ALK-related conditions. An algorithm developed to predict the effect of missense changes on protein structure and function (PolyPhen-2) suggests that this variant is likely to be tolerated. In summary, the available evidence is currently insufficient to determine the role of this variant in disease. Therefore, it has been classified as a Variant of Uncertain Significance.

Baylor Genetics
Classification: Uncertain significance for Neuroblastoma, susceptibility to, 3. Last evaluated: 2023-12-05. Review status: criteria provided, single submitter. Criteria: ACMG Guidelines, 2015. Collection method: clinical testing. Allele origin: unknown.